The following is an entry in ClinVar:

ClinVar aggregate classification (germline): Likely benign (1 of 4 stars; one submission).

Submission:

CeGaT Center for Human Genetics Tuebingen
Classification: Likely benign. Last evaluated: 2024-11-01. Review status: criteria provided, single submitter. Criteria: CeGaT Center For Human Genetics Tuebingen Variant Classification Criteria Version 2. Collection method: clinical testing. Allele origin: germline. Affected: yes. Observed: 1 variant allele.
Comment: ANK3: PM2:Supporting, BP4, BP7

NM_020987.5(ANK3):c.6273T>G (p.Ser2091=)

Gene: ANK3 (ankyrin 3; minus strand). Cytogenetic location: 10q21.2.
Variant type: single nucleotide variant.
Coding change: c.6273T>G on transcript NM_020987.5 (MANE Select); coding-DNA position 6273, T replaced by G.
Protein change: p.Ser2091=; no amino-acid change (serine 2091 retained).
Molecular consequence: synonymous variant. On other transcripts: intron variant (4).
Genome position (GRCh38, 1-based): chr10:60,074,608, A>C on the plus strand (T>G on the coding strand, the complement: ANK3 is on the minus strand). VCF-style: chr10-60074608-A-C. GRCh37 (hg19) VCF-style: chr10-61834366-A-C.
Other names: c.4387+5929T>G (NM_001204403.2); c.4408+5929T>G (NM_001204404.2); c.4405+5929T>G (NM_001320874.2); c.1807+5929T>G (NM_001149.4).
Identifiers: ClinVar variation 3389044 (VCV003389044.14).